The following is an entry in ClinVar:

NM_002437.5(MPV17):c.27G>T (p.Arg9=)

Gene: MPV17 (mitochondrial inner membrane protein MPV17; minus strand). Cytogenetic location: 2p23.3.
Variant type: single nucleotide variant.
Coding change: c.27G>T on transcript NM_002437.5 (MANE Select); coding-DNA position 27, G replaced by T.
Protein change: p.Arg9=; no amino-acid change (arginine 9 retained).
Molecular consequence: synonymous variant.
Genome position (GRCh38, 1-based): chr2:27,322,491, C>A on the plus strand (G>T on the coding strand, the complement: MPV17 is on the minus strand). VCF-style: chr2-27322491-C-A. GRCh37 (hg19) VCF-style: chr2-27545358-C-A.
Other names: p.Arg9=.
Identifiers: ClinVar variation 195172 (VCV000195172.24), dbSNP rs35244252, ClinGen allele CA201614.

ClinVar aggregate classification (germline): Benign/Likely benign. Review status: criteria provided, multiple submitters, no conflicts (2 of 4 stars). 8 submissions from 8 submitters: Benign (5); Likely benign (1). 2 of the submissions do not count toward it. Last evaluated 2026-08-01.

Conditions:
MPV17-related disorder. Also called: MPV17-related condition; MPV17-related disorders. Identifiers: MedGen CN239328.
Mitochondrial DNA depletion syndrome 6 (hepatocerebral type). Also called: Mitochondrial DNA depletion syndrome type 6; NAVAJO NEUROPATHY; Navajo neurohepatopathy. Identifiers: Orphanet 255229, MedGen C1850406, MONDO:0009747, OMIM 256810.

Allele frequency attached by ClinVar (database versions not stated): gnomAD exomes 0.00039 and 0.00090; ExAC 0.00112; 1000 Genomes Project 30x 0.00312; ESP Exome Variant Server 0.00331; 1000 Genomes Project 0.00339; gnomAD 0.00384 and 0.00420; TOPMed 0.00429.
gnomAD v4.1: 1,177 of 1,614,058 alleles (0.073%); highest among the groups gnomAD compares: African/African-American, 1.4%; 12 homozygotes.

Submissions (8):

CeGaT Center for Human Genetics Tuebingen
Classification: Likely benign. Last evaluated: 2026-08-01. Review status: criteria provided, single submitter. Criteria: CeGaT Center For Human Genetics Tuebingen Variant Classification Criteria Version 2. Collection method: clinical testing. Allele origin: germline. Affected: yes. Observed: 1 variant allele.
Comment: MPV17: BP4, BP7, BS1

Labcorp Genetics (formerly Invitae), Labcorp
Classification: Benign. Last evaluated: 2026-01-28. Review status: criteria provided, single submitter. Criteria: Invitae Variant Classification Sherloc (09022015). Collection method: clinical testing. Allele origin: germline.

Mayo Clinic Laboratories, Mayo Clinic
Classification: Benign. Last evaluated: 2024-02-27. Review status: criteria provided, single submitter. Criteria: ACMG Guidelines, 2015. Collection method: clinical testing. Allele origin: germline. Observed: 10 variant alleles.
Comment: BA1, BP4, BP7

Illumina Laboratory Services, Illumina
Classification: Benign for Mitochondrial DNA depletion syndrome 6 (hepatocerebral type). Last evaluated: 2018-01-13. Review status: criteria provided, single submitter. Criteria: ICSL Variant Classification Criteria 13 December 2019. Collection method: clinical testing. Allele origin: germline.
Comment: This variant was observed in the ICSL laboratory as part of a predisposition screen in an ostensibly healthy population. It had not been previously curated by ICSL or reported in the Human Gene Mutation Database (HGMD: prior to June 1st, 2018), and was therefore a candidate for classification through an automated scoring system. Utilizing variant allele frequency, disease prevalence and penetrance estimates, and inheritance mode, an automated score was calculated to assess if this variant is too frequent to cause the disease. Based on the score and internal cut-off values, a variant classified as benign is not then subjected to further curation. The score for this variant resulted in a classification of benign for this disease.

GeneDx
Classification: Benign. Last evaluated: 2016-12-27. Review status: criteria provided, single submitter. Criteria: GeneDx Variant Classification (06012015). Collection method: clinical testing. Allele origin: germline. Affected: yes.
Comment: This variant is considered likely benign or benign based on one or more of the following criteria: it is a conservative change, it occurs at a poorly conserved position in the protein, it is predicted to be benign by multiple in silico algorithms, and/or has population frequency not consistent with disease.

Eurofins Ntd Llc (ga)
Classification: Benign. Last evaluated: 2014-11-24. Review status: criteria provided, single submitter. Criteria: EGL Classification Definitions 2015. Collection method: clinical testing. Allele origin: germline. Observed: 1 variant allele, 1 heterozygote.

Natera, Inc.
Classification: Benign for Navajo neurohepatopathy. Last evaluated: 2020-09-16. Review status: no assertion criteria provided. Collection method: clinical testing. Allele origin: germline. Not counted in ClinVar's aggregate classification.

PreventionGenetics, part of Exact Sciences
Classification: Benign for MPV17-related condition. Last evaluated: 2020-05-20. Review status: no assertion criteria provided. Collection method: clinical testing. Allele origin: germline. Not counted in ClinVar's aggregate classification.
Comment: This variant is classified as benign based on ACMG/AMP sequence variant interpretation guidelines (Richards et al. 2015 PMID: 25741868, with internal and published modifications).